The following is an entry in ClinVar:

ClinVar aggregate classification (germline): Conflicting classifications of pathogenicity. Review status: criteria provided, conflicting classifications (1 of 4 stars). 4 submissions from 4 submitters: Uncertain significance (2); Likely benign (2). Last evaluated 2026-03-05.

Conditions:
Tuberous sclerosis syndrome (TSC). Also called: Tuberous Sclerosis Complex; Tuberous sclerosis. Identifiers: Orphanet 805, MedGen C0041341, MONDO:0001734.
Tuberous sclerosis 1 (TSC1). Identifiers: Orphanet 805, MedGen C1854465, MONDO:0008612, OMIM 191100.
Hereditary cancer-predisposing syndrome. Also called: Tumor predisposition; Neoplastic Syndromes, Hereditary; Hereditary Cancer Syndrome; Hereditary neoplastic syndrome. Identifiers: Orphanet 140162, MedGen C0027672, MeSH D009386, MONDO:0015356.

Allele frequency attached by ClinVar (database versions not stated): gnomAD 0.00001; gnomAD exomes 0.00001; TOPMed 0.00001.
gnomAD v4.1: 47 of 1,613,988 alleles (0.0029%); highest among the groups gnomAD compares: Non-Finnish European, 0.0036%; no homozygotes.

Submissions (4):

Ambry Genetics
Classification: Likely benign for Hereditary cancer-predisposing syndrome. Last evaluated: 2026-03-05. Review status: criteria provided, single submitter. Criteria: Ambry Variant Classification Scheme 2023. Collection method: clinical testing. Allele origin: germline.

Labcorp Genetics (formerly Invitae), Labcorp
Classification: Likely benign for Tuberous sclerosis 1. Last evaluated: 2025-09-10. Review status: criteria provided, single submitter. Criteria: Invitae Variant Classification Sherloc (09022015). Collection method: clinical testing. Allele origin: germline.

All of Us Research Program, National Institutes of Health
Classification: Uncertain significance for Tuberous sclerosis syndrome. Last evaluated: 2024-07-20. Review status: criteria provided, single submitter. Criteria: ACMG Guidelines, 2015. Collection method: clinical testing. Allele origin: germline. Inheritance: Autosomal dominant inheritance. Observed: 2 variant alleles, 2 heterozygotes.
Comment: This missense variant replaces serine with leucine at codon 521 of the TSC1 protein. Computational prediction suggests that this variant may not impact protein structure and function (internally defined REVEL score threshold <= 0.5, PMID: 27666373). To our knowledge, functional studies have not been reported for this variant. This variant has not been reported in individuals affected with TSC1-related disorders in the literature. This variant has been identified in 2/251276 chromosomes in the general population by the Genome Aggregation Database (gnomAD). The available evidence is insufficient to determine the role of this variant in disease conclusively. Therefore, this variant is classified as a Variant of Uncertain Significance.

This study involves interpretation of variants in research participants for the purpose of population health screening. Participant phenotype was not available at the time of variant classification. Additional details can be found in publication PMID: 35346344, PMCID: PMC8962531

Genome-Nilou Lab
Classification: Uncertain significance for Tuberous sclerosis 1. Last evaluated: 2021-11-07. Review status: criteria provided, single submitter. Criteria: ACMG Guidelines, 2015. Collection method: clinical testing. Allele origin: germline. Affected: no.

NM_000368.5(TSC1):c.1562C>T (p.Ser521Leu)

Gene: TSC1 (TSC complex subunit 1; minus strand). Cytogenetic location: 9q34.13.
Variant type: single nucleotide variant.
Coding change: c.1562C>T on transcript NM_000368.5 (MANE Select); coding-DNA position 1562, C replaced by T.
Protein change: p.Ser521Leu; replaces serine 521 with leucine.
Molecular consequence: missense variant.
Genome position (GRCh38, 1-based): chr9:132,906,016, G>A on the plus strand (C>T on the coding strand, the complement: TSC1 is on the minus strand). VCF-style: chr9-132906016-G-A. GRCh37 (hg19) VCF-style: chr9-135781403-G-A.
Other names: c.1559C>T, p.Ser520Leu (NM_001162426.2); c.1409C>T, p.Ser470Leu (NM_001162427.2); c.1199C>T, p.Ser400Leu (NM_001362177.2); short protein forms S521L, S400L, S470L, S520L.
Identifiers: ClinVar variation 819547 (VCV000819547.18), dbSNP rs759379027, ClinGen allele CA200888998.
Genomic context (GRCh38, chr9:132,906,016, plus strand): 5'-TCCAGGGAGGAGTGTAAAGGCTCAGGGTTCACGCTGGCGCCCTGAGAACTGGAGGCTGCC[G>A]AGTGGGTCTTCCGCTGAGAACCTGGGAGACTGTCTCGGTAAAAGGGAGAGTCAAAGCCTC-3'
Protein context (NP_000359.1, residues 511-531): SLPGSQRKTH[Ser521Leu]AASSSQGASV